The following is an entry in ClinVar:

NM_005609.4(PYGM):c.97_100del (p.Asn33fs)

Gene: PYGM (glycogen phosphorylase, muscle associated; minus strand). Cytogenetic location: 11q13.1.
Variant type: Deletion.
Coding change: c.97_100del on transcript NM_005609.4 (MANE Select); coding-DNA positions 97 to 100, 4 bases deleted (AACC; older notation c.97_100delAACC).
Protein change: p.Asn33fs; shifts the reading frame from asparagine 33.
Molecular consequence: frameshift variant.
Genome position (GRCh38, 1-based): chr11:64,759,799-64,759,802, GGTT deleted on the plus strand (AACC on the coding strand, the reverse complement: PYGM is on the minus strand); deleting any 4 consecutive bases within chr11:64,759,799-64,759,803 gives the same sequence; the c. name uses the placement nearest the transcript's 3' end. VCF-style (leftmost placement, unchanged base first): chr11-64759798-CGGTT-C. GRCh37 (hg19) VCF-style: chr11-64527270-CGGTT-C.
Other names: c.97_100del, p.Asn33fs (NM_001164716.1); short protein forms N33fs.
Identifiers: ClinVar variation 4815443 (VCV004815443.1).

ClinVar aggregate classification (germline): Likely pathogenic (1 of 4 stars; one submission).

Conditions:
Glycogen storage disease, type V (GSD5). Also called: MCARDLE DISEASE; MUSCLE GLYCOGEN PHOSPHORYLASE DEFICIENCY; MYOPHOSPHORYLASE DEFICIENCY; PYGM DEFICIENCY; McArdle type glycogen storage disease. Identifiers: Orphanet 368, MedGen C0017924, MONDO:0009293, OMIM 232600.

Submission:

Natera, Inc.
Classification: Likely pathogenic for Glycogen storage disease V. Last evaluated: 2025-08-31. Review status: criteria provided, single submitter. Criteria: Natera Variant Classification Schema (03/2026). Collection method: clinical testing. Allele origin: germline.
Comment: The c.97_100delAACC variant in PYGM is a frameshift variant predicted to shift the reading frame beginning at codon 33 and leads to a stop codon 8 codons downstream. This variant is expected to result in nonsense mediated decay, truncation, or a dysfunctional protein product. This variant is rare in the general population with a frequency below the threshold expected for the associated phenotype(s). Given the available evidence, this variant is classified as Likely Pathogenic.